The following is an entry in ClinVar:

ClinVar aggregate classification (germline): Conflicting classifications of pathogenicity. Review status: criteria provided, conflicting classifications (1 of 4 stars). 14 submissions from 14 submitters: Uncertain significance (2); Benign (1); Likely benign (8). 3 of the submissions do not count toward it. Last evaluated 2026-02-02.

Conditions:
SCARB2-related disorder. Also called: SCARB2-related condition.
Inborn genetic diseases. Identifiers: MedGen C0950123, MeSH D030342.
Progressive myoclonic epilepsy. Also called: Myoclonus epilepsy; Familial progressive myoclonic epilepsy; Myoclonic Epilepsies, Progressive; Progressive myoclonus epilepsy. Identifiers: Orphanet 308, Orphanet 98261, MedGen C0751778, MONDO:0020074.
Action myoclonus-renal failure syndrome. Also called: EPILEPSY, PROGRESSIVE MYOCLONIC, 4, WITH RENAL FAILURE; EPILEPSY, PROGRESSIVE MYOCLONIC, 4, WITHOUT RENAL FAILURE; SCARB2-Related Action Myoclonus-Renal Failure Syndrome; MYOCLONUS-NEPHROPATHY SYNDROME. Identifiers: Orphanet 163696, MedGen C0751779, MeSH D020191, MONDO:0009699, OMIM 254900.

Allele frequency attached by ClinVar (database versions not stated): gnomAD exomes 0.00217 and 0.00287; TOPMed 0.00232; ESP Exome Variant Server 0.00246; 1000 Genomes Project 30x 0.00078; 1000 Genomes Project 0.00100; ExAC 0.00205; gnomAD 0.00215 and 0.00217.
gnomAD v4.1: 4,539 of 1,613,778 alleles (0.28%); highest among the groups gnomAD compares: Non-Finnish European, 0.34%; 21 homozygotes.

Submissions (14):

Labcorp Genetics (formerly Invitae), Labcorp
Classification: Likely benign for Progressive myoclonic epilepsy. Last evaluated: 2026-02-02. Review status: criteria provided, single submitter. Criteria: Invitae Variant Classification Sherloc (09022015). Collection method: clinical testing. Allele origin: germline.

CeGaT Center for Human Genetics Tuebingen
Classification: Likely benign. Last evaluated: 2025-02-01. Review status: criteria provided, single submitter. Criteria: CeGaT Center For Human Genetics Tuebingen Variant Classification Criteria Version 2. Collection method: clinical testing. Allele origin: germline. Affected: yes. Observed: 1 variant allele.
Comment: SCARB2: BP4, BS2

Blueprint Genetics
Classification: Likely benign. Last evaluated: 2024-11-18. Review status: criteria provided, single submitter. Criteria: ACMG Guidelines, 2015. Collection method: clinical testing. Allele origin: germline.

ARUP Laboratories, Molecular Genetics and Genomics, ARUP Laboratories
Classification: Likely benign for Action myoclonus-renal failure syndrome. Last evaluated: 2024-05-23. Review status: criteria provided, single submitter. Criteria: ARUP Molecular Germline Variant Investigation Process 2024. Collection method: clinical testing. Allele origin: germline.

Mayo Clinic Laboratories, Mayo Clinic
Classification: Likely benign. Last evaluated: 2024-03-20. Review status: criteria provided, single submitter. Criteria: ACMG Guidelines, 2015. Collection method: clinical testing. Allele origin: germline. Observed: 4 variant alleles.
Comment: BS1, BP4

GeneDx
Classification: Likely benign. Last evaluated: 2021-05-03. Review status: criteria provided, single submitter. Criteria: GeneDx Variant Classification Process June 2021. Collection method: clinical testing. Allele origin: germline. Affected: yes.
Comment: This variant is associated with the following publications: (PMID: 18308289)

Center for Genomics, Ann and Robert H. Lurie Children's Hospital of Chicago
Classification: Uncertain significance for Action myoclonus-renal failure syndrome. Last evaluated: 2021-03-30. Review status: criteria provided, single submitter. Criteria: ACMG Guidelines, 2015. Collection method: clinical testing. Allele origin: germline.
Comment: SCARB2 NM_005506 exon 4 p.Val149Met (c.445G>A): This variant has not been reported in the literature but is present in 0.3% (437/126510) of European alleles in the Genome Aggregation Database. This variant is present in ClinVar (Variation ID:206701). Evolutionary conservation and computational predictive tools suggest that this variant may not impact the protein. In summary, data on this variant is insufficient for disease classification. Therefore, the clinical significance of this variant is uncertain.

Genetic Services Laboratory, University of Chicago
Classification: Likely benign. Last evaluated: 2020-09-07. Review status: criteria provided, single submitter. Criteria: ACMG Guidelines, 2015. Collection method: clinical testing. Allele origin: germline. Affected: no.

Athena Diagnostics
Classification: Benign. Last evaluated: 2019-06-06. Review status: criteria provided, single submitter. Criteria: Athena Diagnostics Criteria. Collection method: clinical testing. Allele origin: germline.

Ambry Genetics
Classification: Likely benign for Inborn genetic diseases. Last evaluated: 2018-08-07. Review status: criteria provided, single submitter. Criteria: Ambry Variant Classification Scheme 2023. Collection method: clinical testing. Allele origin: germline.

Eurofins Ntd Llc (ga)
Classification: Uncertain significance. Last evaluated: 2017-11-08. Review status: criteria provided, single submitter. Criteria: EGL Classification Definitions 2015. Collection method: clinical testing. Allele origin: germline. Observed: 7 variant alleles, 7 heterozygotes.

PreventionGenetics, part of Exact Sciences
Classification: Likely benign for SCARB2-related condition. Last evaluated: 2021-02-10. Review status: no assertion criteria provided. Collection method: clinical testing. Allele origin: germline. Not counted in ClinVar's aggregate classification.
Comment: This variant is classified as likely benign based on ACMG/AMP sequence variant interpretation guidelines (Richards et al. 2015 PMID: 25741868, with internal and published modifications).

Clinical Genetics DNA and cytogenetics Diagnostics Lab, Erasmus MC, Erasmus Medical Center
Classification: Benign. Review status: no assertion criteria provided. Collection method: clinical testing. Allele origin: germline. Affected: yes. Study: VKGL Data-share Consensus. Not counted in ClinVar's aggregate classification.

Genome Diagnostics Laboratory, University Medical Center Utrecht
Classification: Benign. Review status: no assertion criteria provided. Collection method: clinical testing. Allele origin: germline. Affected: yes. Study: VKGL Data-share Consensus. Not counted in ClinVar's aggregate classification.

Literature cited by the submitters: PubMed 18308289 (cited by Mayo Clinic Laboratories, Mayo Clinic and Athena Diagnostics); PubMed 29261713 (cited by Mayo Clinic Laboratories, Mayo Clinic and Athena Diagnostics); PubMed 26836416 (cited by Athena Diagnostics).

NM_005506.4(SCARB2):c.445G>A (p.Val149Met)

Gene: SCARB2 (scavenger receptor class B member 2; minus strand). Cytogenetic location: 4q21.1.
Variant type: single nucleotide variant.
Coding change: c.445G>A on transcript NM_005506.4 (MANE Select); coding-DNA position 445, G replaced by A.
Protein change: p.Val149Met; replaces valine 149 with methionine.
Molecular consequence: missense variant. On other transcripts: intron variant (1).
Genome position (GRCh38, 1-based): chr4:76,179,684, C>T on the plus strand (G>A on the coding strand, the complement: SCARB2 is on the minus strand). VCF-style: chr4-76179684-C-T. GRCh37 (hg19) VCF-style: chr4-77100837-C-T.
Other names: p.V149M:GTG>ATG; c.276-3774G>A (NM_001204255.2); short protein forms V149M.
Identifiers: ClinVar variation 206701 (VCV000206701.51), dbSNP rs147159813, ClinGen allele CA317052.